The following continues an entry in ClinVar:

NM_002693.3(POLG):c.3131T>C (p.Val1044Ala)

Gene: POLG. ClinVar aggregate classification (germline): Conflicting classifications of pathogenicity. Uncertain significance (15); Likely benign (2).

Submissions 9 to 18 of 18:

Women's Health and Genetics/Laboratory Corporation of America, LabCorp
Classification: Uncertain significance. Last evaluated: 2023-08-30. Review status: criteria provided, single submitter. Criteria: LabCorp Variant Classification Summary - May 2015. Collection method: clinical testing. Allele origin: germline.
Comment: Variant summary: POLG c.3131T>C (p.Val1044Ala) results in a non-conservative amino acid change located in the DNA-directed DNA polymerase, family A, palm domain (IPR001098) of the encoded protein sequence. Three of five in-silico tools predict a benign effect of the variant on protein function. The variant allele was found at a frequency of 0.00065 in 251418 control chromosomes (gnomAD). This frequency is not significantly higher than estimated for a pathogenic variant in POLG causing POLG-Related Spectrum Disorders (0.00065 vs 0.0035), allowing no conclusion about variant significance. c.3131T>C has been reported in the literature as a compound heterozygous genotype in an individual with an Alpers-like phenotype (Isohanni_2011), in the heterozygous state together with other POLG variants (phase unspecified) in an individual suspected of an atypical mitochondrial DNA depletion syndrome presenting with liver fibrosis with portal hypertension (Stalke_2018), and as an uninformative genotype (i.e. zygosity not specified) in at least one individual from a cohort of patients with POLG-related disorders (Hkitmat_2020). It has also been reported in a case-control study in two individuals affected with multiple sclerosis, but was also found in one control individual (Traboulsee_2017). These reports do not provide unequivocal conclusions about association of the variant with POLG-Related Spectrum Disorders. To our knowledge, no experimental evidence demonstrating an impact on protein function has been reported. The following publications have been ascertained in the context of this evaluation (PMID: 32391929, 21357833, 28776642, 28337550). Fifteen submitters have cited clinical-significance assessments for this variant to ClinVar after 2014. The majority classified the variant as VUS, and one submitter classified it as likely benign. Based on the evidence outlined above, the variant was classified as uncertain significance.

Fulgent Genetics
Classification: Uncertain significance for Progressive external ophthalmoplegia with mitochondrial DNA deletions, autosomal dominant 1; Progressive sclerosing poliodystrophy; Progressive external ophthalmoplegia with mitochondrial DNA deletions, autosomal recessive 1; Mitochondrial DNA depletion syndrome 1; Sensory ataxic neuropathy, dysarthria, and ophthalmoparesis; Mitochondrial DNA depletion syndrome 4b. Last evaluated: 2022-05-03. Review status: criteria provided, single submitter. Criteria: ACMG Guidelines, 2015. Collection method: clinical testing. Allele origin: unknown.

Athena Diagnostics
Classification: Uncertain significance. Last evaluated: 2021-11-24. Review status: criteria provided, single submitter. Criteria: Athena Diagnostics Criteria. Collection method: clinical testing. Allele origin: unknown.

Laboratorio de Genetica e Diagnostico Molecular, Hospital Israelita Albert Einstein
Classification: Uncertain significance for Mitochondrial DNA depletion syndrome 4b; Progressive external ophthalmoplegia with mitochondrial DNA deletions, autosomal dominant 1. Last evaluated: 2021-05-27. Review status: criteria provided, single submitter. Criteria: ACMG Guidelines, 2015. Collection method: clinical testing. Allele origin: germline. Affected: yes.

Genetics and Molecular Pathology, SA Pathology
Classification: Uncertain significance for Early-onset Parkinson disease 20. Last evaluated: 2020-10-15. Review status: criteria provided, single submitter. Criteria: ACMG Guidelines, 2015. Collection method: clinical testing. Allele origin: germline. Affected: yes.

Wong Mito Lab, Molecular and Human Genetics, Baylor College of Medicine
Classification: Uncertain significance for Progressive sclerosing poliodystrophy. Last evaluated: 2018-10-01. Review status: criteria provided, single submitter. Criteria: ACMG Guidelines, 2015. Collection method: clinical testing. Allele origin: germline.
Comment: The NM_002693.2:c.3131T>C (NP_002684.1:p.Val1044Ala) [GRCH38: NC_000015.10:g.89319073A>G] variant in POLG gene is interpretated to be a Uncertain Significance based on ACMG guidelines (PMID: 25741868). This variant has been reported in PMID:21357833 . This variant meets the following evidence codes reported in the ACMG-guideline. PP3:Computational evidence/predictors indicate the variant has deleterious effect on POLG structure, function, or protein-protein interaction. Based on the evidence criteria codes applied, the variant is suggested to be Uncertain Significance.

Eurofins Ntd Llc (ga)
Classification: Uncertain significance. Last evaluated: 2018-09-04. Review status: criteria provided, single submitter. Criteria: EGL ClinVar v180209 classification definitions. Collection method: clinical testing. Allele origin: germline. Observed: 6 variant alleles, 6 heterozygotes.

Genome Diagnostics Laboratory, The Hospital for Sick Children
Classification: Uncertain significance for Hereditary spastic paraplegia. Last evaluated: 2018-01-01. Review status: criteria provided, single submitter. Criteria: ACMG Guidelines, 2015. Collection method: clinical testing. Allele origin: germline. Affected: yes.

Genetic Services Laboratory, University of Chicago
Classification: Uncertain significance. Last evaluated: 2014-03-24. Review status: criteria provided, single submitter. Criteria: ACMG Guidelines, 2007. Collection method: clinical testing. Allele origin: germline. Inheritance: Autosomal recessive inheritance.

Clinical Molecular Genetics Laboratory, Johns Hopkins All Children's Hospital
Classification: Uncertain significance for abnormal EEG. Last evaluated: 2016-12-22. Review status: no assertion criteria provided. Collection method: clinical testing. Allele origin: germline. Affected: yes. Not counted in ClinVar's aggregate classification.

Literature cited by the submitters: PubMed 21357833 (cited by 5 submitters); PubMed 21880868 (cited by 3 submitters); PubMed 28337550 (cited by 4 submitters); PubMed 28776642 (cited by 4 submitters); PubMed 32391929 (cited by Mayo Clinic Laboratories, Mayo Clinic and Women's Health and Genetics/Laboratory Corporation of America, LabCorp); PubMed 34426522 (cited by Mayo Clinic Laboratories, Mayo Clinic); PubMed 36325100 (cited by Mayo Clinic Laboratories, Mayo Clinic).